The following is an entry in ClinVar:

NM_005633.4(SOS1):c.3077G>A (p.Arg1026Lys)

Gene: SOS1 (SOS Ras/Rac guanine nucleotide exchange factor 1; minus strand). Cytogenetic location: 2p22.1.
Variant type: single nucleotide variant.
Coding change: c.3077G>A on transcript NM_005633.4 (MANE Select); coding-DNA position 3077, G replaced by A.
Protein change: p.Arg1026Lys; replaces arginine 1026 with lysine.
Molecular consequence: missense variant.
Genome position (GRCh38, 1-based): chr2:38,996,926, C>T on the plus strand (G>A on the coding strand, the complement: SOS1 is on the minus strand). VCF-style: chr2-38996926-C-T. GRCh37 (hg19) VCF-style: chr2-39224067-C-T.
Other names: p.R1026K:AGA>AAA; c.3056G>A, p.Arg1019Lys (NM_001382394.1); c.3077G>A, p.Arg1026Lys (NM_001382395.1); short protein forms R1026K, R1019K.
Identifiers: ClinVar variation 181541 (VCV000181541.6), dbSNP rs730881032, ClinGen allele CA297225.

ClinVar aggregate classification (germline): Conflicting classifications of pathogenicity. Review status: criteria provided, conflicting classifications (1 of 4 stars). 4 submissions from 4 submitters: Uncertain significance (2); Likely benign (2). Last evaluated 2025-09-13.

Conditions:
SOS1-related disorder. Also called: SOS1-related condition.
Cardiovascular phenotype. Identifiers: MedGen CN230736.
RASopathy. Also called: Noonan spectrum disorder; rasopathies. Identifiers: Orphanet 536391, MedGen C5555857, MONDO:0021060.

Allele frequency attached by ClinVar (database versions not stated): gnomAD exomes below 0.00001; ExAC 0.00002.
gnomAD v4.1: 3 of 1,478,572 alleles (0.0002%); highest among the groups gnomAD compares: East Asian, 0.0068%; no homozygotes.

Submissions (4):

Labcorp Genetics (formerly Invitae), Labcorp
Classification: Likely benign for RASopathy. Last evaluated: 2025-09-13. Review status: criteria provided, single submitter. Criteria: Invitae Variant Classification Sherloc (09022015). Collection method: clinical testing. Allele origin: germline.

PreventionGenetics, part of Exact Sciences
Classification: Uncertain significance for SOS1-related condition. Last evaluated: 2025-05-12. Review status: criteria provided, single submitter. Criteria: ACMG Guidelines, 2015. Collection method: clinical testing. Allele origin: germline.
Comment: The SOS1 c.3077G>A variant is predicted to result in the amino acid substitution p.Arg1026Lys. To our knowledge, this variant has not been reported in the literature. This variant is reported in 0.0054% of alleles in individuals of East Asian descent in gnomAD. At this time, the clinical significance of this variant is uncertain due to the absence of conclusive functional and genetic evidence.

Ambry Genetics
Classification: Likely benign for Cardiovascular phenotype. Last evaluated: 2023-12-12. Review status: criteria provided, single submitter. Criteria: Ambry Variant Classification Scheme 2023. Collection method: clinical testing. Allele origin: germline.

GeneDx
Classification: Uncertain significance. Last evaluated: 2014-03-31. Review status: criteria provided, single submitter. Criteria: GeneDx Variant Classification (06012015). Collection method: clinical testing. Allele origin: germline. Affected: yes.
Comment: p.Arg1026Lys (AGA>AAA): c.3077 G>A in exon 19 of the SOS1 gene (NM_005633.3). The R1026K variant has not been published as a mutation, nor has it been reported as a benign polymorphism to our knowledge. The R1026K variant was not observed in approximately 6,500 individuals of European and African American ancestry in the NHLBI Exome Sequencing Project, indicating it is not a common benign variant in these populations. The R1026K variant is a conservative amino acid substitution, which is not likely to impact secondary protein structure as these residues share similar properties. This substitution occurs at a position that is highly conserved. In silico analysis is inconsistent in its predictions as to whether or not the variant is damaging to the protein structure/function. Therefore, based on the currently available information, it is unclear whether this variant is a pathogenic mutation or a rare benign variant. The variant is found in NOONAN panel(s).